The following is an entry in ClinVar:

ClinVar aggregate classification (germline): Uncertain significance. Review status: criteria provided, multiple submitters, no conflicts (2 of 4 stars). 2 submissions from 2 submitters: Uncertain significance (2). Last evaluated 2025-11-27.

gnomAD v4.1: 35 of 1,614,038 alleles (0.0022%); highest among the groups gnomAD compares: South Asian, 0.0099%; no homozygotes.

Submissions (2):

Labcorp Genetics (formerly Invitae), Labcorp
Classification: Uncertain significance. Last evaluated: 2025-11-27. Review status: criteria provided, single submitter. Criteria: Invitae Variant Classification Sherloc (09022015). Collection method: clinical testing. Allele origin: germline.
Comment: This sequence change replaces threonine, which is neutral and polar, with isoleucine, which is neutral and non-polar, at codon 2673 of the SRCAP protein (p.Thr2673Ile). This variant is present in population databases (rs775633415, gnomAD 0.01%). This variant has not been reported in the literature in individuals affected with SRCAP-related conditions. ClinVar contains an entry for this variant (Variation ID: 3709881). Invitae Evidence Modeling of protein sequence and biophysical properties (such as structural, functional, and spatial information, amino acid conservation, physicochemical variation, residue mobility, and thermodynamic stability) indicates that this missense variant is not expected to disrupt SRCAP protein function with a negative predictive value of 80%. In summary, the available evidence is currently insufficient to determine the role of this variant in disease. Therefore, it has been classified as a Variant of Uncertain Significance.

Revvity Omics, Revvity
Classification: Uncertain significance. Last evaluated: 2025-01-16. Review status: criteria provided, single submitter. Criteria: ACMG Guidelines, 2015. Collection method: clinical testing. Allele origin: germline.

NM_006662.3(SRCAP):c.8018C>T (p.Thr2673Ile)

Gene: SRCAP (Snf2 related CREBBP activator protein; plus strand). Cytogenetic location: 16p11.2.
Variant type: single nucleotide variant.
Coding change: c.8018C>T on transcript NM_006662.3 (MANE Select); coding-DNA position 8018, C replaced by T.
Protein change: p.Thr2673Ile; replaces threonine 2673 with isoleucine.
Molecular consequence: missense variant.
Genome position (GRCh38, 1-based): chr16:30,738,058, C>T. VCF-style: chr16-30738058-C-T. GRCh37 (hg19) VCF-style: chr16-30749379-C-T.
Other names: short protein forms T2673I.
Identifiers: ClinVar variation 3709881 (VCV003709881.3).